The following is an entry in ClinVar:

NM_021870.3(FGG):c.275T>C (p.Leu92Pro)

Gene: FGG (fibrinogen gamma chain; minus strand). Cytogenetic location: 4q32.1.
Variant type: single nucleotide variant.
Coding change: c.275T>C on transcript NM_021870.3 (MANE Select); coding-DNA position 275, T replaced by C.
Protein change: p.Leu92Pro; replaces leucine 92 with proline.
Molecular consequence: missense variant.
Genome position (GRCh38, 1-based): chr4:154,612,050, A>G on the plus strand (T>C on the coding strand, the complement: FGG is on the minus strand). VCF-style: chr4-154612050-A-G. GRCh37 (hg19) VCF-style: chr4-155533202-A-G.
Other names: c.275T>C, p.Leu92Pro (NM_000509.6); short protein forms L92P.
Identifiers: ClinVar variation 2594370 (VCV002594370.4), dbSNP rs766605366, ClinGen allele CA3115703.

ClinVar aggregate classification (germline): Uncertain significance. Review status: criteria provided, multiple submitters, no conflicts (2 of 4 stars). 2 submissions from 2 submitters: Uncertain significance (2). Last evaluated 2024-09-15.

Conditions:
Inborn genetic diseases. Identifiers: MedGen C0950123, MeSH D030342.

Allele frequency attached by ClinVar (database versions not stated): TOPMed 0.00002; gnomAD 0.00003.
gnomAD v4.1: 30 of 1,613,038 alleles (0.0019%); highest among the groups gnomAD compares: Non-Finnish European, 0.0025%; no homozygotes.

Submissions (2):

Labcorp Genetics (formerly Invitae), Labcorp
Classification: Uncertain significance. Last evaluated: 2024-09-15. Review status: criteria provided, single submitter. Criteria: Invitae Variant Classification Sherloc (09022015). Collection method: clinical testing. Allele origin: germline.
Comment: This sequence change replaces leucine, which is neutral and non-polar, with proline, which is neutral and non-polar, at codon 92 of the FGG protein (p.Leu92Pro). This variant is present in population databases (rs766605366, gnomAD 0.0009%). This variant has not been reported in the literature in individuals affected with FGG-related conditions. ClinVar contains an entry for this variant (Variation ID: 2594370). Invitae Evidence Modeling of protein sequence and biophysical properties (such as structural, functional, and spatial information, amino acid conservation, physicochemical variation, residue mobility, and thermodynamic stability) indicates that this missense variant is not expected to disrupt FGG protein function with a negative predictive value of 80%. In summary, the available evidence is currently insufficient to determine the role of this variant in disease. Therefore, it has been classified as a Variant of Uncertain Significance.

Ambry Genetics
Classification: Uncertain significance for Inborn genetic diseases. Last evaluated: 2023-07-12. Review status: criteria provided, single submitter. Criteria: Ambry Variant Classification Scheme 2023. Collection method: clinical testing. Allele origin: germline.